The following is an entry in ClinVar:

NM_001942.4(DSG1):c.3116T>G (p.Ile1039Ser)

Genes: DSG1 (desmoglein 1; plus strand), DSG1-AS1 (DSG1 antisense RNA 1; minus strand). Cytogenetic location: 18q12.1.
Variant type: single nucleotide variant.
Coding change: c.3116T>G on transcript NM_001942.4 (MANE Select); coding-DNA position 3116, T replaced by G.
Protein change: p.Ile1039Ser; replaces isoleucine 1039 with serine.
Molecular consequence: missense variant.
Genome position (GRCh38, 1-based): chr18:31,355,312, T>G. VCF-style: chr18-31355312-T-G. GRCh37 (hg19) VCF-style: chr18-28935275-T-G.
Other names: short protein forms I1039S.
Identifiers: ClinVar variation 2763663 (VCV002763663.3), dbSNP rs2510846619, ClinGen allele CA402126070.
Genomic context (GRCh38, chr18:31,355,312, plus strand): 5'-CTGACCATCACTTTAACCAAACCATTGGGTCCGCCTCCCCTAGCACAGCTCGAAGTCGAA[T>G]CACAAAGTATAGTACCGTGCAATATAGCAAGTAGTCAGGACCCCAGCTCACTTTTTCATA-3'
Protein context (NP_001933.2, residues 1029-1049): SASPSTARSR[Ile1039Ser]TKYSTVQYSK

ClinVar aggregate classification (germline): Uncertain significance (1 of 4 stars; one submission).

Submission:

Labcorp Genetics (formerly Invitae), Labcorp
Classification: Uncertain significance. Last evaluated: 2023-10-04. Review status: criteria provided, single submitter. Criteria: Invitae Variant Classification Sherloc (09022015). Collection method: clinical testing. Allele origin: germline.
Comment: This sequence change replaces isoleucine, which is neutral and non-polar, with serine, which is neutral and polar, at codon 1039 of the DSG1 protein (p.Ile1039Ser). This variant is not present in population databases (gnomAD no frequency). This variant has not been reported in the literature in individuals affected with DSG1-related conditions. An algorithm developed to predict the effect of missense changes on protein structure and function (PolyPhen-2) suggests that this variant is likely to be disruptive. In summary, the available evidence is currently insufficient to determine the role of this variant in disease. Therefore, it has been classified as a Variant of Uncertain Significance.